The following is an entry in ClinVar:

ClinVar aggregate classification (germline): Conflicting classifications of pathogenicity. Review status: criteria provided, conflicting classifications (1 of 4 stars). 5 submissions from 1 submitter: Uncertain significance (3); Likely benign (2). Last evaluated 2018-01-13.

Conditions:
Dilated cardiomyopathy 1G (CMD1G). Identifiers: Orphanet 154, MedGen C1858763, MONDO:0011400, OMIM 604145.
Early-onset myopathy with fatal cardiomyopathy (CMYO5). Also called: CONGENITAL MYOPATHY 5 WITH CARDIOMYOPATHY; Salih Myopathy. Identifiers: Orphanet 289377, MedGen C2673677, MONDO:0012714, OMIM 611705. Disease mechanism: loss of function.
Autosomal recessive limb-girdle muscular dystrophy type 2J (LGMDR10). Also called: MUSCULAR DYSTROPHY, LIMB-GIRDLE, AUTOSOMAL RECESSIVE 10; Limb-girdle muscular dystrophy, type 2J. Identifiers: Orphanet 140922, MedGen C1837342, MONDO:0012127, OMIM 608807.
Tibial muscular dystrophy (TMD). Also called: Udd Distal Myopathy – Tibial Muscular Dystrophy; UDD MYOPATHY; Tibial muscular dystrophy, tardive. Identifiers: Orphanet 609, MedGen C1838244, MONDO:0010870, OMIM 600334.
Myopathy, myofibrillar, 9, with early respiratory failure (MFM9). Also called: Myopathy, distal, with early respiratory failure, autosomal dominant; Hereditary myopathy with early respiratory failure; EDSTROM MYOPATHY; MYOPATHY, PROXIMAL, WITH EARLY RESPIRATORY MUSCLE INVOLVEMENT. Identifiers: Orphanet 178464, Orphanet 34521, MedGen C1863599, MONDO:0011362, OMIM 603689.

Allele frequency attached by ClinVar (database versions not stated): TOPMed below 0.00001; gnomAD 0.00001; gnomAD exomes 0.00001; ExAC 0.00002.
gnomAD v4.1: 13 of 1,613,356 alleles (0.00081%); highest among the groups gnomAD compares: Admixed American, 0.005%; no homozygotes.

Submissions (5):

Illumina Laboratory Services, Illumina
Classification: Uncertain significance for Autosomal recessive limb-girdle muscular dystrophy type 2J. Last evaluated: 2018-01-13. Review status: criteria provided, single submitter. Criteria: ICSL Variant Classification Criteria 13 December 2019. Collection method: clinical testing. Allele origin: germline.

Illumina Laboratory Services, Illumina
Classification: Uncertain significance for Early-onset myopathy with fatal cardiomyopathy. Last evaluated: 2018-01-13. Review status: criteria provided, single submitter. Criteria: ICSL Variant Classification Criteria 13 December 2019. Collection method: clinical testing. Allele origin: germline.

Illumina Laboratory Services, Illumina
Classification: Uncertain significance for Dilated cardiomyopathy 1G. Last evaluated: 2018-01-13. Review status: criteria provided, single submitter. Criteria: ICSL Variant Classification Criteria 13 December 2019. Collection method: clinical testing. Allele origin: germline.

Illumina Laboratory Services, Illumina
Classification: Likely benign for Tibial muscular dystrophy. Last evaluated: 2018-01-13. Review status: criteria provided, single submitter. Criteria: ICSL Variant Classification Criteria 13 December 2019. Collection method: clinical testing. Allele origin: germline.
Comment: This variant was observed in the ICSL laboratory as part of a predisposition screen in an ostensibly healthy population. It had not been previously curated by ICSL or reported in the Human Gene Mutation Database (HGMD: prior to June 1st, 2018), and was therefore a candidate for classification through an automated scoring system. Utilizing variant allele frequency, disease prevalence and penetrance estimates, and inheritance mode, an automated score was calculated to assess if this variant is too frequent to cause the disease. Based on the score and internal cut-off values, a variant classified as likely benign is not then subjected to further curation. The score for this variant resulted in a classification of likely benign for this disease.

Illumina Laboratory Services, Illumina
Classification: Likely benign for Myopathy, myofibrillar, 9, with early respiratory failure. Last evaluated: 2018-01-13. Review status: criteria provided, single submitter. Criteria: ICSL Variant Classification Criteria 13 December 2019. Collection method: clinical testing. Allele origin: germline.
Comment: the same text as in the submission from Illumina Laboratory Services, Illumina above.

NM_001267550.2(TTN):c.81523G>A (p.Gly27175Ser)

Genes: TTN (titin; minus strand), TTN-AS1 (TTN antisense RNA 1; plus strand). Cytogenetic location: 2q31.2.
Variant type: single nucleotide variant.
Coding change: c.81523G>A on transcript NM_001267550.2 (MANE Select); coding-DNA position 81523, G replaced by A.
Protein change: p.Gly27175Ser; replaces glycine 27175 with serine.
Molecular consequence: missense variant.
Genome position (GRCh38, 1-based): chr2:178,564,609, C>T on the plus strand (G>A on the coding strand, the complement: TTN is on the minus strand). VCF-style: chr2-178564609-C-T. GRCh37 (hg19) VCF-style: chr2-179429336-C-T.
Other names: c.76600G>A, p.Gly25534Ser (NM_001256850.1); c.54328G>A, p.Gly18110Ser (NM_003319.4); c.73819G>A, p.Gly24607Ser (NM_133378.4); c.54703G>A, p.Gly18235Ser (NM_133432.3); c.54904G>A, p.Gly18302Ser (NM_133437.4); short protein forms G24607S, G27175S, G18110S, G25534S, G18235S, G18302S.
Identifiers: ClinVar variation 332761 (VCV000332761.5), dbSNP rs749305586, ClinGen allele CA1989198.